The following is an entry in ClinVar:

ClinVar aggregate classification (germline): Uncertain significance (1 of 4 stars; one submission).

Conditions:
Cardiovascular phenotype. Identifiers: MedGen CN230736.

Submission:

Ambry Genetics
Classification: Uncertain significance for Cardiovascular phenotype. Last evaluated: 2025-02-09. Review status: criteria provided, single submitter. Criteria: Ambry Variant Classification Scheme 2023. Collection method: clinical testing. Allele origin: germline.
Comment: The p.G314R variant (also known as c.940G>C), located in coding exon 1 of the FOXE3 gene, results from a G to C substitution at nucleotide position 940. The glycine at codon 314 is replaced by arginine, an amino acid with dissimilar properties. This amino acid position is conserved. In addition, the in silico prediction for this alteration is inconclusive. Based on the available evidence, the clinical significance of this variant remains unclear.

NM_012186.3(FOXE3):c.940G>C (p.Gly314Arg)

Genes: FOXE3 (forkhead box E3; plus strand), LINC01389 (long intergenic non-protein coding RNA 1389; minus strand). Cytogenetic location: 1p33.
Variant type: single nucleotide variant.
Coding change: c.940G>C on transcript NM_012186.3 (MANE Select); coding-DNA position 940, G replaced by C.
Protein change: p.Gly314Arg; replaces glycine 314 with arginine.
Molecular consequence: missense variant.
Genome position (GRCh38, 1-based): chr1:47,417,255, G>C. VCF-style: chr1-47417255-G-C. GRCh37 (hg19) VCF-style: chr1-47882927-G-C.
Other names: short protein forms G314R.
Identifiers: ClinVar variation 3851319 (VCV003851319.1).